The following is an entry in ClinVar:

ClinVar aggregate classification (germline): Likely pathogenic (1 of 4 stars; one submission).

Conditions:
Pheochromocytoma/paraganglioma syndrome 4. Also called: PARAGANGLIOMA, FAMILIAL MALIGNANT; PARAGANGLIOMAS, HEREDITARY EXTRAADRENAL; PHEOCHROMOCYTOMA, FAMILIAL EXTRAADRENAL; Paragangliomas 4; CAROTID BODY TUMORS AND MULTIPLE EXTRAADRENAL PHEOCHROMOCYTOMAS; SDHB-Related Hereditary Paraganglioma-Pheochromocytoma Syndrome (Paragangliomas 4). Identifiers: Orphanet 29072, MedGen C1861848, MONDO:0007273, OMIM 115310.

Submission:

Juno Genomics, Hangzhou Juno Genomics, Inc
Classification: Likely pathogenic for Pheochromocytoma/paraganglioma syndrome 4. Review status: criteria provided, single submitter. Criteria: ACMG Guidelines, 2015. Collection method: clinical testing. Allele origin: germline.
Comment: Absent from controls (or at extremely low frequency if recessive) in Genome Aggregation Database.;Null variant in a gene where loss of function (LOF) is a known mechanism of disease.

NM_003000.3(SDHB):c.481delinsAA (p.Asp161fs)

Gene: SDHB (succinate dehydrogenase complex iron sulfur subunit B; minus strand). Cytogenetic location: 1p36.13.
Variant type: Indel.
Coding change: c.481delinsAA on transcript NM_003000.3 (MANE Select); coding-DNA position 481, G replaced by AA.
Protein change: p.Asp161fs; shifts the reading frame from aspartic acid 161.
Molecular consequence: frameshift variant.
Genome position (GRCh38, 1-based): chr1:17,027,808, C replaced by TT on the plus strand (G replaced by AA on the coding strand, the reverse complement: SDHB is on the minus strand). VCF-style: chr1-17027808-C-TT. GRCh37 (hg19) VCF-style: chr1-17354303-C-TT.
Other names: c.427delinsAA, p.Asp143fs (NM_001407361.1); short protein forms D143fs, D161fs.
Identifiers: ClinVar variation 5019840 (VCV005019840.2).
Genomic context (GRCh38, chr1:17,027,808, plus strand): 5'-CCAGTTTCTCACGCTCTTCTATGGACTGCAGATACTGCTGCTTGCCTTCCTGAGATTCAT[C>TT]CTTCTTCTTCAAATAAGGCTCAATGGATTTGTACTGTGCATAGAAGTTGCTCAAATCCTG-3'